The following is an entry in ClinVar:

NM_017617.5(NOTCH1):c.6950G>C (p.Gly2317Ala)

Gene: NOTCH1 (notch receptor 1; minus strand). Cytogenetic location: 9q34.3.
Variant type: single nucleotide variant.
Coding change: c.6950G>C on transcript NM_017617.5 (MANE Select); coding-DNA position 6950, G replaced by C.
Protein change: p.Gly2317Ala; replaces glycine 2317 with alanine.
Molecular consequence: missense variant.
Genome position (GRCh38, 1-based): chr9:136,496,789, C>G on the plus strand (G>C on the coding strand, the complement: NOTCH1 is on the minus strand). VCF-style: chr9-136496789-C-G. GRCh37 (hg19) VCF-style: chr9-139391241-C-G.
Other names: short protein forms G2317A.
Identifiers: ClinVar variation 2918441 (VCV002918441.3), dbSNP rs1842922253, ClinGen allele CA375629616.

ClinVar aggregate classification (germline): Uncertain significance (1 of 4 stars; one submission).

Conditions:
Adams-Oliver syndrome 5 (AOS5). Identifiers: Orphanet 974, MedGen C4014970, MONDO:0014459, OMIM 616028.

Submission:

Labcorp Genetics (formerly Invitae), Labcorp
Classification: Uncertain significance for Adams-Oliver syndrome 5. Last evaluated: 2022-12-15. Review status: criteria provided, single submitter. Criteria: Invitae Variant Classification Sherloc (09022015). Collection method: clinical testing. Allele origin: germline.
Comment: This variant is not present in population databases (gnomAD no frequency). This sequence change replaces glycine, which is neutral and non-polar, with alanine, which is neutral and non-polar, at codon 2317 of the NOTCH1 protein (p.Gly2317Ala). This variant has not been reported in the literature in individuals affected with NOTCH1-related conditions. In summary, the available evidence is currently insufficient to determine the role of this variant in disease. Therefore, it has been classified as a Variant of Uncertain Significance. Advanced modeling of protein sequence and biophysical properties (such as structural, functional, and spatial information, amino acid conservation, physicochemical variation, residue mobility, and thermodynamic stability) performed at Invitae indicates that this missense variant is not expected to disrupt NOTCH1 protein function.